The following is an entry in ClinVar:

NM_206933.4(USH2A):c.9624A>G (p.Glu3208=)

Gene: USH2A (usherin; minus strand). Cytogenetic location: 1q41.
Variant type: single nucleotide variant.
Coding change: c.9624A>G on transcript NM_206933.4 (MANE Select); coding-DNA position 9624, A replaced by G.
Protein change: p.Glu3208=; no amino-acid change (glutamic acid 3208 retained).
Molecular consequence: synonymous variant.
Genome position (GRCh38, 1-based): chr1:215,813,851, T>C on the plus strand (A>G on the coding strand, the complement: USH2A is on the minus strand). VCF-style: chr1-215813851-T-C. GRCh37 (hg19) VCF-style: chr1-215987193-T-C.
Other names: c.9624A>G (NM_206933.2).
Identifiers: ClinVar variation 1131949 (VCV001131949.10), dbSNP rs751153999, ClinGen allele CA1394252.

ClinVar aggregate classification (germline): Likely benign. Review status: criteria provided, multiple submitters, no conflicts (2 of 4 stars). 2 submissions from 2 submitters: Likely benign (2). Last evaluated 2025-07-29.

Conditions:
USH2A-related disorder. Also called: USH2A-related condition; USH2A-related disorders. Identifiers: MedGen CN239332.

Allele frequency attached by ClinVar (database versions not stated): gnomAD exomes below 0.00001 and 0.00001; ExAC 0.00001; gnomAD 0.00002; TOPMed 0.00002.
gnomAD v4.1: 7 of 1,613,814 alleles (0.00043%); highest among the groups gnomAD compares: South Asian, 0.0011%; no homozygotes.

Submissions (2):

Labcorp Genetics (formerly Invitae), Labcorp
Classification: Likely benign. Last evaluated: 2025-07-29. Review status: criteria provided, single submitter. Criteria: Invitae Variant Classification Sherloc (09022015). Collection method: clinical testing. Allele origin: germline.

PreventionGenetics, part of Exact Sciences
Classification: Likely benign for USH2A-related condition. Last evaluated: 2025-03-07. Review status: criteria provided, single submitter. Criteria: ACMG Guidelines, 2015. Collection method: clinical testing. Allele origin: germline.
Comment: This variant is classified as likely benign based on ACMG/AMP sequence variant interpretation guidelines (Richards et al. 2015 PMID: 25741868, with internal and published modifications).